The following is an entry in ClinVar:

ClinVar aggregate classification (germline): Uncertain significance (1 of 4 stars; one submission).

gnomAD v4.1: 11 of 1,614,072 alleles (0.00068%); highest among the groups gnomAD compares: Non-Finnish European, 0.00068%; no homozygotes.

Submission:

Ambry Genetics
Classification: Uncertain significance. Last evaluated: 2025-01-11. Review status: criteria provided, single submitter. Criteria: Ambry Variant Classification Scheme 2023. Collection method: clinical testing. Allele origin: germline.
Comment: The p.C394S variant (also known as c.1180T>A), located in coding exon 8 of the ATRIP gene, results from a T to A substitution at nucleotide position 1180. The cysteine at codon 394 is replaced by serine, an amino acid with dissimilar properties. This amino acid position is conserved. In addition, this alteration is predicted to be tolerated by in silico analysis. Based on the available evidence, the clinical significance of this variant remains unclear.

NM_130384.3(ATRIP):c.1180T>A (p.Cys394Ser)

Genes: ATRIP (ATR interacting protein; plus strand), ATRIP-TREX1 (ATRIP-TREX1 readthrough; plus strand). Cytogenetic location: 3p21.31.
Variant type: single nucleotide variant.
Coding change: c.1180T>A on transcript NM_130384.3 (MANE Select); coding-DNA position 1180, T replaced by A.
Protein change: p.Cys394Ser; replaces cysteine 394 with serine.
Molecular consequence: missense variant. On other transcripts: non-coding transcript variant (1).
Genome position (GRCh38, 1-based): chr3:48,460,234, T>A. VCF-style: chr3-48460234-T-A. GRCh37 (hg19) VCF-style: chr3-48501633-T-A.
Other names: c.799T>A, p.Cys267Ser (NM_001271022.2); c.901T>A, p.Cys301Ser (NM_001271023.2); c.1180T>A, p.Cys394Ser (NM_032166.4); short protein forms C301S, C267S, C394S.
Identifiers: ClinVar variation 3809708 (VCV003809708.1).